The following is an entry in ClinVar:

NM_015425.6(POLR1A):c.4228G>A (p.Ala1410Thr)

Gene: POLR1A (RNA polymerase I subunit A; minus strand). Cytogenetic location: 2p11.2.
Variant type: single nucleotide variant.
Coding change: c.4228G>A on transcript NM_015425.6 (MANE Select); coding-DNA position 4228, G replaced by A.
Protein change: p.Ala1410Thr; replaces alanine 1410 with threonine.
Molecular consequence: missense variant.
Genome position (GRCh38, 1-based): chr2:86,032,316, C>T on the plus strand (G>A on the coding strand, the complement: POLR1A is on the minus strand). VCF-style: chr2-86032316-C-T. GRCh37 (hg19) VCF-style: chr2-86259439-C-T.
Other names: short protein forms A1410T.
Identifiers: ClinVar variation 3685317 (VCV003685317.2).

ClinVar aggregate classification (germline): Uncertain significance (1 of 4 stars; one submission).

gnomAD v4.1: 9 of 1,613,590 alleles (0.00056%); highest among the groups gnomAD compares: East Asian, 0.0045%; no homozygotes.

Submission:

Labcorp Genetics (formerly Invitae), Labcorp
Classification: Uncertain significance. Last evaluated: 2024-02-16. Review status: criteria provided, single submitter. Criteria: Invitae Variant Classification Sherloc (09022015). Collection method: clinical testing. Allele origin: germline.
Comment: This sequence change replaces alanine, which is neutral and non-polar, with threonine, which is neutral and polar, at codon 1410 of the POLR1A protein (p.Ala1410Thr). This variant is not present in population databases (gnomAD no frequency). This variant has not been reported in the literature in individuals affected with POLR1A-related conditions. Advanced modeling of protein sequence and biophysical properties (such as structural, functional, and spatial information, amino acid conservation, physicochemical variation, residue mobility, and thermodynamic stability) performed at Invitae indicates that this missense variant is not expected to disrupt POLR1A protein function with a negative predictive value of 80%. In summary, the available evidence is currently insufficient to determine the role of this variant in disease. Therefore, it has been classified as a Variant of Uncertain Significance.